The following is an entry in ClinVar:

ClinVar aggregate classification (germline): Uncertain significance (1 of 4 stars; one submission).

Submission:

Ambry Genetics
Classification: Uncertain significance. Last evaluated: 2022-09-03. Review status: criteria provided, single submitter. Criteria: Ambry Variant Classification Scheme 2023. Collection method: clinical testing. Allele origin: germline.
Comment: The p.D67N variant (also known as c.199G>A), located in coding exon 3 of the RINT1 gene, results from a G to A substitution at nucleotide position 199. The aspartic acid at codon 67 is replaced by asparagine, an amino acid with highly similar properties. This amino acid position is conserved. In addition, this alteration is predicted to be tolerated by in silico analysis. Since supporting evidence is limited at this time, the clinical significance of this alteration remains unclear.

NM_021930.6(RINT1):c.199G>A (p.Asp67Asn)

Gene: RINT1 (RAD50 interactor 1; plus strand). Cytogenetic location: 7q22.3.
Variant type: single nucleotide variant.
Coding change: c.199G>A on transcript NM_021930.6 (MANE Select); coding-DNA position 199, G replaced by A.
Protein change: p.Asp67Asn; replaces aspartic acid 67 with asparagine.
Molecular consequence: missense variant. On other transcripts: 5 prime UTR variant (3), non-coding transcript variant (1), intron variant (1).
Genome position (GRCh38, 1-based): chr7:105,536,675, G>A. VCF-style: chr7-105536675-G-A. GRCh37 (hg19) VCF-style: chr7-105177122-G-A.
Other names: c.-821G>A (NM_001346600.2); c.-724G>A (NM_001346601.2); c.-344G>A (NM_001346603.2); c.39+63G>A (NM_001346599.2); short protein forms D67N.
Identifiers: ClinVar variation 1784135 (VCV001784135.2), dbSNP rs2485100018, ClinGen allele CA368800413.